The following is an entry in ClinVar:

ClinVar aggregate classification (germline): Uncertain significance. Review status: criteria provided, multiple submitters, no conflicts (2 of 4 stars). 2 submissions from 2 submitters: Uncertain significance (2). Last evaluated 2024-12-31.

Conditions:
Inborn genetic diseases. Identifiers: MedGen C0950123, MeSH D030342.
Acute myeloid leukemia (AML). Also called: Leukemia, acute myeloid, somatic; Leukemia, acute myelogenous, somatic; Acute myeloid leukemia, adult; AML adult; Acute non-lymphocytic leukemia; Acute granulocytic leukemia. Identifiers: Orphanet 519, MedGen C0023467, MeSH D015470, MONDO:0018874, OMIM 601626, HP:0004808. Disease mechanism: Constitutively activated FLT3.

Allele frequency attached by ClinVar (database versions not stated): gnomAD exomes below 0.00001; gnomAD 0.00004.
gnomAD v4.1: 7 of 1,612,786 alleles (0.00043%); highest among the groups gnomAD compares: Admixed American, 0.012%; no homozygotes.

Submissions (2):

Ambry Genetics
Classification: Uncertain significance for Inborn genetic diseases. Last evaluated: 2024-12-31. Review status: criteria provided, single submitter. Criteria: Ambry Variant Classification Scheme 2023. Collection method: clinical testing. Allele origin: germline.
Comment: The p.V287A variant (also known as c.860T>C), located in coding exon 1 of the CEBPA gene, results from a T to C substitution at nucleotide position 860. The valine at codon 287 is replaced by alanine, an amino acid with similar properties. This amino acid position is conserved. In addition, this alteration is predicted to be tolerated by in silico analysis. Based on the available evidence, the clinical significance of this variant remains unclear.

Labcorp Genetics (formerly Invitae), Labcorp
Classification: Uncertain significance for Acute myeloid leukemia. Last evaluated: 2021-12-11. Review status: criteria provided, single submitter. Criteria: Invitae Variant Classification Sherloc (09022015). Collection method: clinical testing. Allele origin: germline.
Comment: In summary, the available evidence is currently insufficient to determine the role of this variant in disease. Therefore, it has been classified as a Variant of Uncertain Significance. Algorithms developed to predict the effect of missense changes on protein structure and function are either unavailable or do not agree on the potential impact of this missense change (SIFT: "Tolerated"; PolyPhen-2: "Possibly Damaging"; Align-GVGD: "Class C0"). This variant has not been reported in the literature in individuals affected with CEBPA-related conditions. This variant is present in population databases (no rsID available, gnomAD 0.003%). This sequence change replaces valine, which is neutral and non-polar, with alanine, which is neutral and non-polar, at codon 287 of the CEBPA protein (p.Val287Ala).

NM_004364.5(CEBPA):c.860T>C (p.Val287Ala)

Gene: CEBPA (CCAAT enhancer binding protein alpha; minus strand). Cytogenetic location: 19q13.11.
Variant type: single nucleotide variant.
Coding change: c.860T>C on transcript NM_004364.5 (MANE Select); coding-DNA position 860, T replaced by C.
Protein change: p.Val287Ala; replaces valine 287 with alanine.
Molecular consequence: missense variant.
Genome position (GRCh38, 1-based): chr19:33,301,555, A>G on the plus strand (T>C on the coding strand, the complement: CEBPA is on the minus strand). VCF-style: chr19-33301555-A-G. GRCh37 (hg19) VCF-style: chr19-33792461-A-G.
Other names: c.503T>C, p.Val168Ala (NM_001285829.2); c.965T>C, p.Val322Ala (NM_001287424.2); c.818T>C, p.Val273Ala (NM_001287435.2); c.860T>C (NM_004364.3); short protein forms V168A, V273A, V322A, V287A.
Identifiers: ClinVar variation 1434701 (VCV001434701.7), dbSNP rs1250168874, ClinGen allele CA405274054.
Genomic context (GRCh38, chr19:33,301,555, plus strand): 5'-TTGCGCTGCTTGGCCTTGTCGCGGCTCTTGCGCACCGCGATGTTGTTGCGCTCGCGCCGC[A>G]CCCGGTACTCGTTGCTGTTCTTGTCCACCGACTTCTTGGCCTTGCCCGCGCCGCTGCCGC-3'
Protein context (NP_004355.2, residues 277-297): SVDKNSNEYR[Val287Ala]RRERNNIAVR